The following is an entry in ClinVar:

ClinVar aggregate classification (germline): Uncertain significance (1 of 4 stars; one submission).

Conditions:
Sandhoff disease. Also called: Beta-hexosaminidase-beta-subunit deficiency; GM2 gangliosidosis, type 2; Total hexosaminidase deficiency; Sandhoff-Jatzkewitz-Pilz disease; GM2-GANGLIOSIDOSIS, TYPE II; HEXOSAMINIDASES A AND B DEFICIENCY. Identifiers: Orphanet 796, MedGen C0036161, MONDO:0010006, OMIM 268800.

Submission:

Myriad Genetics, Inc.
Classification: Uncertain significance for Sandhoff disease. Last evaluated: 2025-08-14. Review status: criteria provided, single submitter. Criteria: Myriad Autosomal Dominant, Autosomal Recessive and X-Linked Classification Criteria (2023). Collection method: clinical testing. Allele origin: unknown.
Comment: NM_000521.3(HEXB):c.3G>A(M1?) is an initiation codon variant classified as a variant of uncertain significance in the context of Sandhoff disease. M1? has not been observed in cases with relevant disease. Relevant functional assessments of this variant are not available in the literature. M1? has been observed in referenced population frequency databases. In summary, there is insufficient evidence to classify NM_000521.3(HEXB):c.3G>A(M1?) as pathogenic or benign. Please note: this variant was assessed in the context of healthy population screening.

NM_000521.4(HEXB):c.3G>A (p.Met1Ile)

Gene: HEXB (hexosaminidase subunit beta; plus strand). Cytogenetic location: 5q13.3.
Variant type: single nucleotide variant.
Coding change: c.3G>A on transcript NM_000521.4 (MANE Select); coding-DNA position 3, G replaced by A.
Protein change: p.Met1Ile; changes the start codon (methionine 1).
Molecular consequence: missense variant, initiator codon variant. On other transcripts: intron variant (1).
Genome position (GRCh38, 1-based): chr5:74,685,263, G>A. VCF-style: chr5-74685263-G-A. GRCh37 (hg19) VCF-style: chr5-73981088-G-A.
Other names: c.-376-4065G>A (NM_001292004.2); short protein forms M1I.
Identifiers: ClinVar variation 5003416 (VCV005003416.1).
Genomic context (GRCh38, chr5:74,685,263, plus strand): 5'-GGAAGTCGGGTCCCGAGGCTCCGGCTCGGCAGACCGGGCGGAAAGCAGCCGAGCGGCCAT[G>A]GAGCTGTGCGGGCTGGGGCTGCCCCGGCCGCCCATGCTGCTGGCGCTGCTGTTGGCGACA-3'
Protein context (NP_000512.2, residues 1-11): [Met1Ile]ELCGLGLPRP